The following is an entry in ClinVar:

ClinVar aggregate classification (germline): Uncertain significance (1 of 4 stars; one submission).

Conditions:
46,XY sex reversal 3. Also called: SEX REVERSAL, XY, WITH OR WITHOUT ADRENAL FAILURE; 46,XY SEX REVERSAL, PARTIAL OR COMPLETE, NR5A1-RELATED; NR5A1-related 46,XY complete gonadal dysgenesis; 46,XY GONADAL DYSGENESIS, PARTIAL OR COMPLETE, WITH OR WITHOUT ADRENAL FAILURE; DISORDER OF SEX DEVELOPMENT, 46,XY, NR5A1-RELATED. Identifiers: MedGen C3489793, MONDO:0013066, OMIM 612965.

Submission:

MVZ Dr. Eberhard & Partner Dortmund
Classification: Uncertain significance for 46,XY sex reversal 3. Last evaluated: 2025-09-08. Review status: criteria provided, single submitter. Criteria: ACMG Guidelines, 2015. Collection method: clinical testing. Allele origin: unknown. Inheritance: Autosomal dominant inheritance.
Comment: The heterozygous variant c.914T>C, p.(Leu305Pro) in NR5A1 found here has not yet been listed in any exome/genome database known to us. Bioinformatic analyses calculate a predominantly pathogenic effect.

NM_004959.5(NR5A1):c.914T>C (p.Leu305Pro)

Gene: NR5A1 (nuclear receptor subfamily 5 group A member 1; minus strand). Cytogenetic location: 9q33.3.
Variant type: single nucleotide variant.
Coding change: c.914T>C on transcript NM_004959.5 (MANE Select); coding-DNA position 914, T replaced by C.
Protein change: p.Leu305Pro; replaces leucine 305 with proline.
Molecular consequence: missense variant.
Genome position (GRCh38, 1-based): chr9:124,493,106, A>G on the plus strand (T>C on the coding strand, the complement: NR5A1 is on the minus strand). VCF-style: chr9-124493106-A-G. GRCh37 (hg19) VCF-style: chr9-127255385-A-G.
Other names: short protein forms L305P.
Identifiers: ClinVar variation 4526417 (VCV004526417.1).